The following is an entry in ClinVar:

NM_000282.4(PCCA):c.1423A>G (p.Ile475Val)

Gene: PCCA (propionyl-CoA carboxylase subunit alpha; plus strand). Cytogenetic location: 13q32.3.
Variant type: single nucleotide variant.
Coding change: c.1423A>G on transcript NM_000282.4 (MANE Select); coding-DNA position 1423, A replaced by G.
Protein change: p.Ile475Val; replaces isoleucine 475 with valine.
Molecular consequence: missense variant. On other transcripts: non-coding transcript variant (5).
Genome position (GRCh38, 1-based): chr13:100,309,902, A>G. VCF-style: chr13-100309902-A-G. GRCh37 (hg19) VCF-style: chr13-100962156-A-G.
Other names: c.1345A>G, p.Ile449Val (NM_001127692.3, NM_001352607.2); c.1423A>G, p.Ile475Val (NM_001178004.2, NM_001352605.2, NM_001352609.2); c.1279A>G, p.Ile427Val (NM_001352606.2); c.1201A>G, p.Ile401Val (NM_001352608.2); c.478A>G, p.Ile160Val (NM_001352610.2, NM_001352611.2); c.334A>G, p.Ile112Val (NM_001352612.2); short protein forms I475V, I401V, I427V, I449V, I112V, I160V.
Identifiers: ClinVar variation 92761 (VCV000092761.36), dbSNP rs35719359, ClinGen allele CA145988.

ClinVar aggregate classification (germline): Benign/Likely benign. Review status: criteria provided, multiple submitters, no conflicts (2 of 4 stars). 14 submissions from 14 submitters: Benign (8); Likely benign (3). 3 of the submissions do not count toward it. Last evaluated 2026-02-04.

Conditions:
Propionic acidemia (PROP). Also called: GLYCINEMIA, KETOTIC; HYPERGLYCINEMIA WITH KETOACIDOSIS AND LEUKOPENIA; KETOTIC HYPERGLYCINEMIA. Identifiers: Orphanet 35, MedGen C0268579, MONDO:0011628, OMIM 606054, HP:0003571.

Allele frequency attached by ClinVar (database versions not stated): ESP Exome Variant Server 0.03683; gnomAD 0.04130 and 0.03953; gnomAD exomes 0.04219; ExAC 0.04257; 1000 Genomes Project 30x 0.01452; 1000 Genomes Project 0.01577; TOPMed 0.03286.
gnomAD v4.1: 75,648 of 1,609,050 alleles (4.7%); highest among the groups gnomAD compares: Non-Finnish European, 5.3%; 2,159 homozygotes.

Submissions (14):

Labcorp Genetics (formerly Invitae), Labcorp
Classification: Benign for Propionic acidemia. Last evaluated: 2026-02-04. Review status: criteria provided, single submitter. Criteria: Invitae Variant Classification Sherloc (09022015). Collection method: clinical testing. Allele origin: germline.

ARUP Laboratories, Molecular Genetics and Genomics, ARUP Laboratories
Classification: Benign for Propionic acidemia. Last evaluated: 2025-05-01. Review status: criteria provided, single submitter. Criteria: ARUP Molecular Germline Variant Investigation Process 2024. Collection method: clinical testing. Allele origin: germline.

Blueprint Genetics
Classification: Benign. Last evaluated: 2024-11-27. Review status: criteria provided, single submitter. Criteria: ACMG Guidelines, 2015. Collection method: clinical testing. Allele origin: germline.

Mayo Clinic Laboratories, Mayo Clinic
Classification: Benign. Last evaluated: 2023-01-05. Review status: criteria provided, single submitter. Criteria: ACMG Guidelines, 2015. Collection method: clinical testing. Allele origin: germline. Observed: 71 variant alleles.
Comment: BA1

Women's Health and Genetics/Laboratory Corporation of America, LabCorp
Classification: Benign. Last evaluated: 2018-03-29. Review status: criteria provided, single submitter. Criteria: LabCorp Variant Classification Summary - May 2015. Collection method: clinical testing. Allele origin: germline.
Comment: Variant summary: PCCA c.1423A>G (p.Ile475Val) results in a conservative amino acid change located in the Biotin carboxylase, C-terminal domain of the encoded protein sequence. Four of five in-silico tools predict a benign effect of the variant on protein function. The variant allele was found at a frequency of 0.043 in 277082 control chromosomes in the gnomAD database and literature, including 391 homozygotes. The observed variant frequency is approximately 12.53 fold of the estimated maximal expected allele frequency for a pathogenic variant in PCCA causing Propionic Acidemia phenotype (0.0034), strongly suggesting that the variant is benign. This variant has been reported in the literature in homozygous individuals affected with Propionic Acidemia but was also found in controls in the same study (Richard_1999). This report does not provide unequivocal conclusions about an association of the variant with Propionic Acidemia. Three clinical diagnostic laboratories have submitted clinical-significance assessments for this variant to ClinVar after 2014 without evidence for independent evaluation and classified the variant as benign (x2) and likely benign (x1). Based on the evidence outlined above, the variant was classified as benign.

Illumina Laboratory Services, Illumina
Classification: Benign for Propionic acidemia. Last evaluated: 2018-03-06. Review status: criteria provided, single submitter. Criteria: ICSL Variant Classification Criteria 13 December 2019. Collection method: clinical testing. Allele origin: germline.
Comment: This variant was observed in the ICSL laboratory as part of a predisposition screen in an ostensibly healthy population. It had not been previously curated by ICSL or reported in the Human Gene Mutation Database (HGMD: prior to June 1st, 2018), and was therefore a candidate for classification through an automated scoring system. Utilizing variant allele frequency, disease prevalence and penetrance estimates, and inheritance mode, an automated score was calculated to assess if this variant is too frequent to cause the disease. Based on the score and internal cut-off values, a variant classified as benign is not then subjected to further curation. The score for this variant resulted in a classification of benign for this disease.

GeneDx
Classification: Benign. Last evaluated: 2015-12-01. Review status: criteria provided, single submitter. Criteria: GeneDx Variant Classification (06012015). Collection method: clinical testing. Allele origin: germline. Affected: yes.
Comment: This variant is considered likely benign or benign based on one or more of the following criteria: it is a conservative change, it occurs at a poorly conserved position in the protein, it is predicted to be benign by multiple in silico algorithms, and/or has population frequency not consistent with disease.

Genome Diagnostics Laboratory, University Medical Center Utrecht
Classification: Likely benign for Propionic acidemia. Last evaluated: 2014-10-09. Review status: criteria provided, single submitter. Criteria: ACGS Guidelines, 2013. Collection method: clinical testing. Allele origin: germline. Affected: yes. Study: VKGL Data-share Consensus.

Eurofins Ntd Llc (ga)
Classification: Benign. Last evaluated: 2012-09-14. Review status: criteria provided, single submitter. Criteria: EGL Classification Definitions 2015. Collection method: clinical testing. Allele origin: germline. Observed: 1 variant allele, 1 heterozygote.

Breakthrough Genomics
Classification: Likely benign. Review status: criteria provided, single submitter. Criteria: ACMG Guidelines, 2015. Collection method: not provided. Allele origin: germline. Inheritance: Autosomal recessive inheritance. Affected: yes.

PreventionGenetics, part of Exact Sciences
Classification: Likely benign. Review status: criteria provided, single submitter. Criteria: ACMG Guidelines, 2015. Collection method: clinical testing. Allele origin: germline.

Natera, Inc.
Classification: Benign for Propionic acidemia. Last evaluated: 2020-09-16. Review status: no assertion criteria provided. Collection method: clinical testing. Allele origin: germline. Not counted in ClinVar's aggregate classification.

Clinical Genetics, Academic Medical Center
Classification: Likely benign. Review status: no assertion criteria provided. Collection method: clinical testing. Allele origin: germline. Affected: yes. Study: VKGL Data-share Consensus. Not counted in ClinVar's aggregate classification.

Diagnostic Laboratory, Department of Genetics, University Medical Center Groningen
Classification: Benign for Propionic acidemia. Review status: no assertion criteria provided. Collection method: clinical testing. Allele origin: germline. Affected: yes. Study: VKGL Data-share Consensus. Not counted in ClinVar's aggregate classification.

Literature cited by the submitters: PubMed 10101253 (cited by Women's Health and Genetics/Laboratory Corporation of America, LabCorp); PubMed 15464417 (cited by Women's Health and Genetics/Laboratory Corporation of America, LabCorp).